The following is an entry in ClinVar:

ClinVar aggregate classification (germline): Uncertain significance (1 of 4 stars; one submission).

Conditions:
Marfan syndrome (MFS). Also called: MARFAN SYNDROME, TYPE I; Marfan syndrome type 1; Marfan's syndrome; FBN1-Related Marfan Syndrome; Marfan syndrome, classic. Identifiers: Orphanet 284963, Orphanet 558, MedGen C0024796, MONDO:0007947, OMIM 154700.

Submission:

All of Us Research Program, National Institutes of Health
Classification: Uncertain significance for Marfan syndrome. Last evaluated: 2024-02-22. Review status: criteria provided, single submitter. Criteria: ACMG Guidelines, 2015. Collection method: clinical testing. Allele origin: germline. Inheritance: Autosomal dominant inheritance. Observed: 1 variant allele, 1 heterozygote.
Comment: This missense variant replaces arginine with lysine at codon 2076 of the FBN1 protein. Computational prediction suggests that this variant may not impact protein structure and function (internally defined REVEL score threshold <= 0.5, PMID: 27666373). To our knowledge, functional studies have not been reported for this variant. This variant has not been reported in individuals affected with FBN1-related disorders in the literature. This variant has not been identified in the general population by the Genome Aggregation Database (gnomAD). The available evidence is insufficient to determine the role of this variant in disease conclusively. Therefore, this variant is classified as a Variant of Uncertain Significance.

This study involves interpretation of variants in research participants for the purpose of population health screening. Participant phenotype was not available at the time of variant classification. Additional details can be found in publication PMID: 35346344, PMCID: PMC8962531

NM_000138.5(FBN1):c.6227G>A (p.Arg2076Lys)

Gene: FBN1 (fibrillin 1; minus strand). Cytogenetic location: 15q21.1.
Variant type: single nucleotide variant.
Coding change: c.6227G>A on transcript NM_000138.5 (MANE Select); coding-DNA position 6227, G replaced by A.
Protein change: p.Arg2076Lys; replaces arginine 2076 with lysine.
Molecular consequence: missense variant.
Genome position (GRCh38, 1-based): chr15:48,437,854, C>T on the plus strand (G>A on the coding strand, the complement: FBN1 is on the minus strand). VCF-style: chr15-48437854-C-T. GRCh37 (hg19) VCF-style: chr15-48730051-C-T.
Other names: c.6227G>A, p.Arg2076Lys (NM_001406716.1); short protein forms R2076K.
Identifiers: ClinVar variation 3386775 (VCV003386775.1).
Genomic context (GRCh38, chr15:48,437,854, plus strand): 5'-CAGGGGTCTCCCCAGCCTTCTCCCTTCAAGGCACAGCAGCATTCCTGCTTGGAGTGATTT[C>T]TGGATTTGGGTGATGAACACTTTCCTCCTTCAAACTTCGCATAACAGTAGCTCATTCGCA-3'
Protein context (NP_000129.3, residues 2066-2086): EGGKCSSPKS[Arg2076Lys]NHSKQECCCA